The following is an entry in ClinVar:

ClinVar aggregate classification (germline): Uncertain significance. Review status: criteria provided, multiple submitters, no conflicts (2 of 4 stars). 2 submissions from 2 submitters: Uncertain significance (2). Last evaluated 2024-02-13.

Conditions:
DICER1-related tumor predisposition. Also called: DICER1-related pleuropulmonary blastoma cancer predisposition syndrome; DICER1 syndrome. Identifiers: Orphanet 284343, MedGen C3839822, MONDO:0100216.
Hereditary cancer-predisposing syndrome. Also called: Neoplastic Syndromes, Hereditary; Tumor predisposition; Hereditary neoplastic syndrome; Hereditary Cancer Syndrome. Identifiers: Orphanet 140162, MedGen C0027672, MeSH D009386, MONDO:0015356.

Allele frequency attached by ClinVar (database versions not stated): gnomAD exomes below 0.00001.
gnomAD v4.1: 1 of 1,612,606 alleles (0.000062%); highest among the groups gnomAD compares: Non-Finnish European, 0.000085%; no homozygotes.

Submissions (2):

Labcorp Genetics (formerly Invitae), Labcorp
Classification: Uncertain significance for DICER1-related tumor predisposition. Last evaluated: 2024-02-13. Review status: criteria provided, single submitter. Criteria: Invitae Variant Classification Sherloc (09022015). Collection method: clinical testing. Allele origin: germline.
Comment: This sequence change replaces arginine, which is basic and polar, with cysteine, which is neutral and slightly polar, at codon 937 of the DICER1 protein (p.Arg937Cys). This variant is present in population databases (no rsID available, gnomAD 0.0009%). This variant has not been reported in the literature in individuals affected with DICER1-related conditions. ClinVar contains an entry for this variant (Variation ID: 1796294). Advanced modeling of protein sequence and biophysical properties (such as structural, functional, and spatial information, amino acid conservation, physicochemical variation, residue mobility, and thermodynamic stability) performed at Invitae indicates that this missense variant is expected to disrupt DICER1 protein function with a positive predictive value of 80%. In summary, the available evidence is currently insufficient to determine the role of this variant in disease. Therefore, it has been classified as a Variant of Uncertain Significance.

Ambry Genetics
Classification: Uncertain significance for Hereditary cancer-predisposing syndrome. Last evaluated: 2022-03-25. Review status: criteria provided, single submitter. Criteria: Ambry Variant Classification Scheme 2023. Collection method: clinical testing. Allele origin: germline.
Comment: The p.R937C variant (also known as c.2809C>T), located in coding exon 17 of the DICER1 gene, results from a C to T substitution at nucleotide position 2809. The arginine at codon 937 is replaced by cysteine, an amino acid with highly dissimilar properties. This amino acid position is conserved. In addition, the in silico prediction for this alteration is inconclusive. Since supporting evidence is limited at this time, the clinical significance of this alteration remains unclear.

NM_177438.3(DICER1):c.2809C>T (p.Arg937Cys)

Gene: DICER1 (dicer 1, ribonuclease III; minus strand). Cytogenetic location: 14q32.13.
Variant type: single nucleotide variant.
Coding change: c.2809C>T on transcript NM_177438.3 (MANE Select); coding-DNA position 2809, C replaced by T.
Protein change: p.Arg937Cys; replaces arginine 937 with cysteine.
Molecular consequence: missense variant. On other transcripts: non-coding transcript variant (6).
Genome position (GRCh38, 1-based): chr14:95,106,219, G>A on the plus strand (C>T on the coding strand, the complement: DICER1 is on the minus strand). VCF-style: chr14-95106219-G-A. GRCh37 (hg19) VCF-style: chr14-95572556-G-A.
Other names: c.2809C>T, p.Arg937Cys (NM_001195573.1, NM_001271282.3, NM_001291628.2 and 13 more transcripts); c.2527C>T, p.Arg843Cys (NM_001395686.1); c.2404C>T, p.Arg802Cys (NM_001395687.1, NM_001395688.1, NM_001395689.1 and 2 more transcripts); c.2242C>T, p.Arg748Cys (NM_001395691.1); c.1126C>T, p.Arg376Cys (NM_001395697.1); short protein forms R376C, R748C, R802C, R937C, R843C.
Identifiers: ClinVar variation 1796294 (VCV001796294.4), dbSNP rs1354833117, ClinGen allele CA390879306.